The following is an entry in ClinVar:

NM_000528.4(MAN2B1):c.1271A>G (p.Asn424Ser)

Gene: MAN2B1 (mannosidase alpha class 2B member 1; minus strand). Cytogenetic location: 19p13.13.
Variant type: single nucleotide variant.
Coding change: c.1271A>G on transcript NM_000528.4 (MANE Select); coding-DNA position 1271, A replaced by G.
Protein change: p.Asn424Ser; replaces asparagine 424 with serine.
Molecular consequence: missense variant.
Genome position (GRCh38, 1-based): chr19:12,658,101, T>C on the plus strand (A>G on the coding strand, the complement: MAN2B1 is on the minus strand). VCF-style: chr19-12658101-T-C. GRCh37 (hg19) VCF-style: chr19-12768915-T-C.
Other names: c.1268A>G, p.Asn423Ser (NM_001173498.2); short protein forms N423S, N424S.
Identifiers: ClinVar variation 1510002 (VCV001510002.6), dbSNP rs1322106502, ClinGen allele CA404247412.
Genomic context (GRCh38, chr19:12,658,101, plus strand): 5'-CCCTCTTGGGCCCGACACTTACTGAGGGGTGCACTGTCTCCGGAGCCATAGGGTCCCACG[T>C]TGGCCGCCAGGCCCACCAGCGCCTCCAGCTGGTTGCACACCTGGAGGCAGAGGGGTATGT-3'
Protein context (NP_000519.2, residues 414-434): QLEALVGLAA[Asn424Ser]VGPYGSGDSA

ClinVar aggregate classification (germline): Uncertain significance (1 of 4 stars; one submission).

Conditions:
Deficiency of alpha-mannosidase (MANSA). Also called: Alpha-Mannosidosis; LYSOSOMAL ALPHA-D-MANNOSIDASE DEFICIENCY; Mannosidosis, alpha-, types I and II. Identifiers: Orphanet 61, MedGen C0024748, MONDO:0009561, OMIM 248500.

Allele frequency attached by ClinVar (database versions not stated): gnomAD exomes below 0.00001.
gnomAD v4.1: 1 of 1,613,396 alleles (0.000062%); highest among the groups gnomAD compares: African/African-American, 0.0013%; no homozygotes.

Submission:

Labcorp Genetics (formerly Invitae), Labcorp
Classification: Uncertain significance for Deficiency of alpha-mannosidase. Last evaluated: 2025-02-19. Review status: criteria provided, single submitter. Criteria: Invitae Variant Classification Sherloc (09022015). Collection method: clinical testing. Allele origin: germline.
Comment: This sequence change replaces asparagine, which is neutral and polar, with serine, which is neutral and polar, at codon 424 of the MAN2B1 protein (p.Asn424Ser). This variant is present in population databases (no rsID available, gnomAD 0.007%). This variant has not been reported in the literature in individuals affected with MAN2B1-related conditions. ClinVar contains an entry for this variant (Variation ID: 1510002). Invitae Evidence Modeling of protein sequence and biophysical properties (such as structural, functional, and spatial information, amino acid conservation, physicochemical variation, residue mobility, and thermodynamic stability) indicates that this missense variant is not expected to disrupt MAN2B1 protein function with a negative predictive value of 95%. In summary, the available evidence is currently insufficient to determine the role of this variant in disease. Therefore, it has been classified as a Variant of Uncertain Significance.